The following is an entry in ClinVar:

ClinVar aggregate classification (germline): Uncertain significance (1 of 4 stars; one submission).

gnomAD v4.1: 33 of 1,614,020 alleles (0.002%); highest among the groups gnomAD compares: Middle Eastern, 0.016%; no homozygotes.

Submission:

Labcorp Genetics (formerly Invitae), Labcorp
Classification: Uncertain significance. Last evaluated: 2024-02-20. Review status: criteria provided, single submitter. Criteria: Invitae Variant Classification Sherloc (09022015). Collection method: clinical testing. Allele origin: germline.
Comment: This sequence change replaces threonine, which is neutral and polar, with methionine, which is neutral and non-polar, at codon 1790 of the MYH3 protein (p.Thr1790Met). This variant is present in population databases (rs765724529, gnomAD 0.01%). This variant has not been reported in the literature in individuals affected with MYH3-related conditions. Advanced modeling of protein sequence and biophysical properties (such as structural, functional, and spatial information, amino acid conservation, physicochemical variation, residue mobility, and thermodynamic stability) performed at Invitae indicates that this missense variant is not expected to disrupt MYH3 protein function with a negative predictive value of 95%. In summary, the available evidence is currently insufficient to determine the role of this variant in disease. Therefore, it has been classified as a Variant of Uncertain Significance.

NM_002470.4(MYH3):c.5369C>T (p.Thr1790Met)

Gene: MYH3 (myosin heavy chain 3; minus strand). Cytogenetic location: 17p13.1.
Variant type: single nucleotide variant.
Coding change: c.5369C>T on transcript NM_002470.4 (MANE Select); coding-DNA position 5369, C replaced by T.
Protein change: p.Thr1790Met; replaces threonine 1790 with methionine.
Molecular consequence: missense variant.
Genome position (GRCh38, 1-based): chr17:10,630,376, G>A on the plus strand (C>T on the coding strand, the complement: MYH3 is on the minus strand). VCF-style: chr17-10630376-G-A. GRCh37 (hg19) VCF-style: chr17-10533693-G-A.
Other names: short protein forms T1790M.
Identifiers: ClinVar variation 3619513 (VCV003619513.2).
Genomic context (GRCh38, chr17:10,630,376, plus strand): 5'-TTCCCGCCCTTCAGCGCCAGCTGCTCGGCCTCATCTAGACGATGCTGCAGGTCCTTCACC[G>A]TCTGTTCCAGGTTCTTCTTCATCCGCTCAAGGTGGGCGCTGGTGTCCTGCTCCTTCTTCA-3'
Protein context (NP_002461.2, residues 1780-1800): LERMKKNLEQ[Thr1790Met]VKDLQHRLDE